The following is an entry in ClinVar:

ClinVar aggregate classification (germline): Uncertain significance (1 of 4 stars; one submission).

Conditions:
Hereditary cancer-predisposing syndrome. Also called: Tumor predisposition; Hereditary Cancer Syndrome; Hereditary neoplastic syndrome; Neoplastic Syndromes, Hereditary. Identifiers: Orphanet 140162, MedGen C0027672, MeSH D009386, MONDO:0015356.

Submission:

Ambry Genetics
Classification: Uncertain significance for Hereditary cancer-predisposing syndrome. Last evaluated: 2024-06-17. Review status: criteria provided, single submitter. Criteria: Ambry Variant Classification Scheme 2023. Collection method: clinical testing. Allele origin: germline.
Comment: The p.K179T variant (also known as c.536A>C), located in coding exon 5 of the EPCAM gene, results from an A to C substitution at nucleotide position 536. The lysine at codon 179 is replaced by threonine, an amino acid with similar properties. This amino acid position is conserved. In addition, the in silico prediction for this alteration is inconclusive. Based on the available evidence, the clinical significance of this variant remains unclear.

NM_002354.3(EPCAM):c.536A>C (p.Lys179Thr)

Gene: EPCAM (epithelial cell adhesion molecule; plus strand). Cytogenetic location: 2p21.
Variant type: single nucleotide variant.
Coding change: c.536A>C on transcript NM_002354.3 (MANE Select); coding-DNA position 536, A replaced by C.
Protein change: p.Lys179Thr; replaces lysine 179 with threonine.
Molecular consequence: missense variant.
Genome position (GRCh38, 1-based): chr2:47,377,058, A>C. VCF-style: chr2-47377058-A-C. GRCh37 (hg19) VCF-style: chr2-47604197-A-C.
Other names: short protein forms K179T.
Identifiers: ClinVar variation 3275853 (VCV003275853.1).
Genomic context (GRCh38, chr2:47,377,058, plus strand): 5'-TTTAAATTCTTTACAGTGCACTTCAGAAGGAGATCACAACGCGTTATCAACTGGATCCAA[A>C]ATTTATCACGAGTATTTTGGTATGATTTTTTAATAAGTGAGCTTTAGCAGACAGTTGGTG-3'
Protein context (NP_002345.2, residues 169-189): EITTRYQLDP[Lys179Thr]FITSILYENN